The following is an entry in ClinVar:

ClinVar aggregate classification (germline): Likely benign. Review status: criteria provided, single submitter (1 of 4 stars). 2 submissions from 2 submitters: Likely benign (1). 1 of the submissions does not count toward it. Last evaluated 2025-03-21.

Conditions:
ANKFY1-related disorder. Also called: ANKFY1-related condition.

gnomAD v4.1: 48 of 1,604,048 alleles (0.003%); highest among the groups gnomAD compares: African/African-American, 0.023%; no homozygotes.

Submissions (2):

Ambry Genetics
Classification: Likely benign. Last evaluated: 2025-03-21. Review status: criteria provided, single submitter. Criteria: Ambry Variant Classification Scheme 2023. Collection method: clinical testing. Allele origin: germline.

PreventionGenetics, part of Exact Sciences
Classification: Likely benign for ANKFY1-related condition. Last evaluated: 2024-03-13. Review status: no assertion criteria provided. Collection method: clinical testing. Allele origin: germline. Not counted in ClinVar's aggregate classification.
Comment: This variant is classified as likely benign based on ACMG/AMP sequence variant interpretation guidelines (Richards et al. 2015 PMID: 25741868, with internal and published modifications).

NM_001330063.2(ANKFY1):c.102C>T (p.Cys34=)

Gene: ANKFY1 (ankyrin repeat and FYVE domain containing 1; minus strand). Cytogenetic location: 17p13.2.
Variant type: single nucleotide variant.
Coding change: c.102C>T on transcript NM_001330063.2 (MANE Select); coding-DNA position 102, C replaced by T.
Protein change: p.Cys34=; no amino-acid change (cysteine 34 retained).
Molecular consequence: synonymous variant. On other transcripts: non-coding transcript variant (1).
Genome position (GRCh38, 1-based): chr17:4,242,357, G>A on the plus strand (C>T on the coding strand, the complement: ANKFY1 is on the minus strand). VCF-style: chr17-4242357-G-A. GRCh37 (hg19) VCF-style: chr17-4145652-G-A.
Other names: c.228C>T, p.Cys76= (NM_001257999.3); c.102C>T, p.Cys34= (NM_016376.5); c.102C>T (NM_016376.3).
Identifiers: ClinVar variation 3351119 (VCV003351119.2).
Genomic context (GRCh38, chr17:4,242,357, plus strand): 5'-CAGACGGCTGATGAAGGACTCGCTGCTGCTCTCCTTGTTTGCCTGCGCAGCCAAGAGAGC[G>A]CAGCGCTTCTCTGTCTCCGCCAGCTTCTTCTGCAGCTTGACATACTCCTGCCGCAGAAGC-3'
Protein context (NP_001316992.1, residues 24-44): QKKLAETEKR[Cys34=]ALLAAQANKE